The following is an entry in ClinVar:

NM_020778.5(ALPK3):c.2783T>C (p.Met928Thr)

Gene: ALPK3 (alpha kinase 3; plus strand). Cytogenetic location: 15q25.3.
Variant type: single nucleotide variant.
Coding change: c.2783T>C on transcript NM_020778.5 (MANE Select); coding-DNA position 2783, T replaced by C.
Protein change: p.Met928Thr; replaces methionine 928 with threonine.
Molecular consequence: missense variant.
Genome position (GRCh38, 1-based): chr15:84,857,521, T>C. VCF-style: chr15-84857521-T-C. GRCh37 (hg19) VCF-style: chr15-85400752-T-C.
Other names: short protein forms M928T.
Identifiers: ClinVar variation 3710767 (VCV003710767.2).
Genomic context (GRCh38, chr15:84,857,521, plus strand): 5'-CTGCCCCAACACTGCACCTGGGGCTGGGGACCCCCACTCAGAGTCACCCACCAGAAACCA[T>C]GGCCACCAGCAGTGAGGGGGCCTGCGCCCAGGTACCAGATGTGGAGGGGCGGACCCCAGG-3'
Protein context (NP_065829.4, residues 918-938): TPTQSHPPET[Met928Thr]ATSSEGACAQ

ClinVar aggregate classification (germline): Uncertain significance (1 of 4 stars; one submission).

Submission:

Labcorp Genetics (formerly Invitae), Labcorp
Classification: Uncertain significance. Last evaluated: 2024-07-24. Review status: criteria provided, single submitter. Criteria: Invitae Variant Classification Sherloc (09022015). Collection method: clinical testing. Allele origin: germline.
Comment: This sequence change replaces methionine, which is neutral and non-polar, with threonine, which is neutral and polar, at codon 1130 of the ALPK3 protein (p.Met1130Thr). This variant is present in population databases (rs750664279, gnomAD 0.02%). This variant has not been reported in the literature in individuals affected with ALPK3-related conditions. An algorithm developed to predict the effect of missense changes on protein structure and function outputs the following: PolyPhen-2: "Benign". The threonine amino acid residue is found in multiple mammalian species, which suggests that this missense change does not adversely affect protein function. In summary, the available evidence is currently insufficient to determine the role of this variant in disease. Therefore, it has been classified as a Variant of Uncertain Significance.